The following is an entry in ClinVar:

ClinVar aggregate classification (germline): Uncertain significance. Review status: criteria provided, multiple submitters, no conflicts (2 of 4 stars). 2 submissions from 2 submitters: Uncertain significance (2). Last evaluated 2026-07-07.

Conditions:
Hereditary cancer-predisposing syndrome. Also called: Hereditary Cancer Syndrome; Hereditary neoplastic syndrome; Neoplastic Syndromes, Hereditary; Tumor predisposition. Identifiers: Orphanet 140162, MedGen C0027672, MeSH D009386, MONDO:0015356.
Renal cell carcinoma. Identifiers: Orphanet 217071, MedGen C0007134, MeSH D002292, MONDO:0005086, HP:0005584.

Allele frequency attached by ClinVar (database versions not stated): TOPMed 0.00001.
gnomAD v4.1: 2 of 1,614,034 alleles (0.00012%); highest among the groups gnomAD compares: African/African-American, 0.0013%; no homozygotes.

Submissions (2):

Ambry Genetics
Classification: Uncertain significance for Hereditary cancer-predisposing syndrome. Last evaluated: 2026-07-07. Review status: criteria provided, single submitter. Criteria: Ambry Variant Classification Scheme 2023. Collection method: clinical testing. Allele origin: germline.
Comment: The p.I799V variant (also known as c.2395A>G), located in coding exon 10 of the MET gene, results from an A to G substitution at nucleotide position 2395. The isoleucine at codon 799 is replaced by valine, an amino acid with highly similar properties. This amino acid position is conserved. In addition, this alteration is predicted to be tolerated by in silico analysis. Based on the available evidence, the clinical significance of this variant remains unclear.

Labcorp Genetics (formerly Invitae), Labcorp
Classification: Uncertain significance for Renal cell carcinoma. Last evaluated: 2025-12-08. Review status: criteria provided, single submitter. Criteria: Invitae Variant Classification Sherloc (09022015). Collection method: clinical testing. Allele origin: germline.
Comment: This sequence change replaces isoleucine, which is neutral and non-polar, with valine, which is neutral and non-polar, at codon 817 of the MET protein (p.Ile817Val). This variant is not present in population databases (gnomAD no frequency). This variant has not been reported in the literature in individuals affected with MET-related conditions. ClinVar contains an entry for this variant (Variation ID: 2995641). Invitae Evidence Modeling of protein sequence and biophysical properties (such as structural, functional, and spatial information, amino acid conservation, physicochemical variation, residue mobility, and thermodynamic stability) indicates that this missense variant is not expected to disrupt MET protein function with a negative predictive value of 80%. In summary, the available evidence is currently insufficient to determine the role of this variant in disease. Therefore, it has been classified as a Variant of Uncertain Significance.

NM_000245.4(MET):c.2395A>G (p.Ile799Val)

Gene: MET (MET proto-oncogene, receptor tyrosine kinase; plus strand). Cytogenetic location: 7q31.2.
Variant type: single nucleotide variant.
Coding change: c.2395A>G on transcript NM_000245.4 (MANE Select); coding-DNA position 2395, A replaced by G.
Protein change: p.Ile799Val; replaces isoleucine 799 with valine.
Molecular consequence: missense variant.
Genome position (GRCh38, 1-based): chr7:116,763,080, A>G. VCF-style: chr7-116763080-A-G. GRCh37 (hg19) VCF-style: chr7-116403134-A-G.
Other names: c.2449A>G, p.Ile817Val (NM_001127500.3); c.2395A>G, p.Ile799Val (NM_001324401.3); c.1105A>G, p.Ile369Val (NM_001324402.2); c.2395A>G (NM_000245.2); short protein forms I799V, I817V, I369V.
Identifiers: ClinVar variation 2995641 (VCV002995641.4), dbSNP rs1288804179, ClinGen allele CA368982976.